The following is an entry in ClinVar:

ClinVar aggregate classification (germline): Uncertain significance (1 of 4 stars; one submission).

Submission:

Women's Health and Genetics/Laboratory Corporation of America, LabCorp
Classification: Uncertain significance. Last evaluated: 2026-04-27. Review status: criteria provided, single submitter. Criteria: LabCorp Variant Classification Summary - May 2015. Collection method: clinical testing. Allele origin: germline.
Comment: Variant summary: TNXB c.8842C>G (p.Pro2948Ala) results in a non-conservative amino acid change located in the Fibronectin type III repeat domain (IPR003961) of the encoded protein sequence. Algorithms developed to predict the effect of missense changes on protein structure and function are either unavailable or do not agree on the potential impact of this missense change. The variant allele was found at a frequency of 4.1e-06 in 242924 control chromosomes. The available data on variant occurrences in the general population are insufficient to allow any conclusion about variant significance. To our knowledge, no occurrence of c.8842C>G in individuals affected with TNXB-related conditions and no experimental evidence demonstrating its impact on protein function have been reported. No submitters have cited clinical-significance assessments for this variant to ClinVar. Based on the evidence outlined above, the variant was classified as uncertain significance.

NM_001365276.2(TNXB):c.8848C>G (p.Pro2950Ala)

Gene: TNXB (tenascin XB; minus strand). Cytogenetic location: 6p21.33.
Variant type: single nucleotide variant.
Coding change: c.8848C>G on transcript NM_001365276.2 (MANE Select); coding-DNA position 8848, C replaced by G.
Protein change: p.Pro2950Ala; replaces proline 2950 with alanine.
Molecular consequence: missense variant.
Genome position (GRCh38, 1-based): chr6:32,052,937, G>C on the plus strand (C>G on the coding strand, the complement: TNXB is on the minus strand). VCF-style: chr6-32052937-G-C. GRCh37 (hg19) VCF-style: chr6-32020714-G-C.
Other names: c.9589C>G, p.Pro3197Ala (NM_001428335.1); c.8842C>G, p.Pro2948Ala (NM_019105.8); short protein forms P2948A, P2950A, P3197A.
Identifiers: ClinVar variation 4849071 (VCV004849071.1).